The following is an entry in ClinVar:

NM_005359.6(SMAD4):c.907C>G (p.Pro303Ala)

Gene: SMAD4 (SMAD family member 4; plus strand). Cytogenetic location: 18q21.2.
Variant type: single nucleotide variant.
Coding change: c.907C>G on transcript NM_005359.6 (MANE Select); coding-DNA position 907, C replaced by G.
Protein change: p.Pro303Ala; replaces proline 303 with alanine.
Molecular consequence: missense variant.
Genome position (GRCh38, 1-based): chr18:51,059,868, C>G. VCF-style: chr18-51059868-C-G. GRCh37 (hg19) VCF-style: chr18-48586238-C-G.
Other names: short protein forms P303A.
Identifiers: ClinVar variation 629090 (VCV000629090.21), dbSNP rs1568206575, ClinGen allele CA402463641.

ClinVar aggregate classification (germline): Uncertain significance. Review status: criteria provided, multiple submitters, no conflicts (2 of 4 stars). 5 submissions from 5 submitters: Uncertain significance (5). Last evaluated 2025-06-04.

Conditions:
Juvenile polyposis syndrome (JPS). Identifiers: Orphanet 2929, MedGen C0345893, MONDO:0017380, OMIM 174900.
Hereditary cancer-predisposing syndrome. Also called: Hereditary neoplastic syndrome; Neoplastic Syndromes, Hereditary; Tumor predisposition; Hereditary Cancer Syndrome. Identifiers: Orphanet 140162, MedGen C0027672, MeSH D009386, MONDO:0015356.
Familial thoracic aortic aneurysm and aortic dissection (TAAD). Also called: Thoracic aortic aneurysms and dissections. Identifiers: Orphanet 91387, MedGen C4707243, MONDO:0019625.
Familial pancreatic carcinoma. Identifiers: Orphanet 1333, MedGen C2931038, MONDO:0015278, OMIM 260350.
Myhre syndrome (MYHRS). Also called: LARYNGOTRACHEAL STENOSIS, ARTHROPATHY, PROGNATHISM, AND SHORT STATURE; LAPS SYNDROME. Identifiers: Orphanet 2588, MedGen C0796081, MONDO:0007688, OMIM 139210.
Juvenile polyposis/hereditary hemorrhagic telangiectasia syndrome (JPHT). Also called: Juvenile Polyposis Syndrome / Hereditary Hemorrhagic Telangiectasia (JPS/HHT); JP/HHT SYNDROME; JUVENILE POLYPOSIS WITH HEREDITARY HEMORRHAGIC TELANGIECTASIA; POLYPOSIS, GENERALIZED JUVENILE, WITH PULMONARY ARTERIOVENOUS MALFORMATION; TELANGIECTASIA, HEREDITARY HEMORRHAGIC, WITH JUVENILE POLYPOSIS COLI. Identifiers: Orphanet 2929, MedGen C1832942, MONDO:0008278, OMIM 175050.

Allele frequency attached by ClinVar (database versions not stated): gnomAD exomes below 0.00001.
gnomAD v4.1: 6 of 1,611,936 alleles (0.00037%); highest among the groups gnomAD compares: Non-Finnish European, 0.00042%; no homozygotes.

Submissions (5):

Color Diagnostics, LLC DBA Color Health
Classification: Uncertain significance for Hereditary cancer-predisposing syndrome. Last evaluated: 2025-06-04. Review status: criteria provided, single submitter. Criteria: ACMG Guidelines, 2015. Collection method: clinical testing. Allele origin: germline.
Comment: This missense variant replaces proline with alanine at codon 303 of the SMAD4 protein. Computational prediction suggests that this variant may not impact protein structure and function. To our knowledge, functional studies have not been reported for this variant. This variant has not been reported in individuals affected with SMAD4-related disorders in the literature. This variant has not been identified in the general population by the Genome Aggregation Database (gnomAD). The available evidence is insufficient to determine the role of this variant in disease conclusively. Therefore, this variant is classified as a Variant of Uncertain Significance.

Fulgent Genetics
Classification: Uncertain significance for Myhre syndrome; Juvenile polyposis syndrome; Juvenile polyposis/hereditary hemorrhagic telangiectasia syndrome; Familial pancreatic carcinoma. Last evaluated: 2024-03-21. Review status: criteria provided, single submitter. Criteria: ACMG Guidelines, 2015. Collection method: clinical testing. Allele origin: germline.

All of Us Research Program, National Institutes of Health
Classification: Uncertain significance for Juvenile polyposis/hereditary hemorrhagic telangiectasia syndrome. Last evaluated: 2023-12-07. Review status: criteria provided, single submitter. Criteria: ACMG Guidelines, 2015. Collection method: clinical testing. Allele origin: germline. Inheritance: Autosomal dominant inheritance. Observed: 2 variant alleles, 2 heterozygotes.
Comment: This missense variant replaces proline with alanine at codon 303 of the SMAD4 protein. Computational prediction suggests that this variant may not impact protein structure and function (internally defined REVEL score threshold <= 0.5, PMID: 27666373). To our knowledge, functional studies have not been reported for this variant. This variant has not been reported in individuals affected with SMAD4-related disorders in the literature. This variant has not been identified in the general population by the Genome Aggregation Database (gnomAD). The available evidence is insufficient to determine the role of this variant in disease conclusively. Therefore, this variant is classified as a Variant of Uncertain Significance.

This study involves interpretation of variants in research participants for the purpose of population health screening. Participant phenotype was not available at the time of variant classification. Additional details can be found in publication PMID: 35346344, PMCID: PMC8962531

Ambry Genetics
Classification: Uncertain significance for Hereditary cancer-predisposing syndrome; Familial thoracic aortic aneurysm and aortic dissection. Last evaluated: 2023-02-13. Review status: criteria provided, single submitter. Criteria: Ambry Variant Classification Scheme 2023. Collection method: clinical testing. Allele origin: germline.
Comment: The p.P303A variant (also known as c.907C>G), located in coding exon 7 of the SMAD4 gene, results from a C to G substitution at nucleotide position 907. The proline at codon 303 is replaced by alanine, an amino acid with highly similar properties. This amino acid position is highly conserved in available vertebrate species. In addition, the in silico prediction for this alteration is inconclusive. Since supporting evidence is limited at this time, the clinical significance of this alteration remains unclear.

Labcorp Genetics (formerly Invitae), Labcorp
Classification: Uncertain significance for Juvenile polyposis syndrome. Last evaluated: 2019-10-20. Review status: criteria provided, single submitter. Criteria: Invitae Variant Classification Sherloc (09022015). Collection method: clinical testing. Allele origin: germline.
Comment: In summary, the available evidence is currently insufficient to determine the role of this variant in disease. Therefore, it has been classified as a Variant of Uncertain Significance. This sequence change replaces proline with alanine at codon 303 of the SMAD4 protein (p.Pro303Ala). The proline residue is highly conserved and there is a small physicochemical difference between proline and alanine. This variant is not present in population databases (ExAC no frequency). This variant has not been reported in the literature in individuals with SMAD4-related conditions. ClinVar contains an entry for this variant (Variation ID: 629090). Algorithms developed to predict the effect of missense changes on protein structure and function (SIFT, PolyPhen-2, Align-GVGD) all suggest that this variant is likely to be tolerated, but these predictions have not been confirmed by published functional studies and their clinical significance is uncertain.